The following is an entry in ClinVar:

ClinVar aggregate classification (germline): Uncertain significance (1 of 4 stars; one submission).

Allele frequency attached by ClinVar (database versions not stated): ExAC 0.00001; gnomAD 0.00001; TOPMed 0.00002; ESP Exome Variant Server 0.00008.
gnomAD v4.1: 1 of 1,613,898 alleles (0.000062%); highest among the groups gnomAD compares: Non-Finnish European, 0.000085%; no homozygotes.

Submission:

Labcorp Genetics (formerly Invitae), Labcorp
Classification: Uncertain significance. Last evaluated: 2022-04-20. Review status: criteria provided, single submitter. Criteria: Invitae Variant Classification Sherloc (09022015). Collection method: clinical testing. Allele origin: germline.
Comment: This variant has not been reported in the literature in individuals affected with TMPRSS15-related conditions. Algorithms developed to predict the effect of missense changes on protein structure and function are either unavailable or do not agree on the potential impact of this missense change (SIFT: "Not Available"; PolyPhen-2: "Probably Damaging"; Align-GVGD: "Not Available"). In summary, the available evidence is currently insufficient to determine the role of this variant in disease. Therefore, it has been classified as a Variant of Uncertain Significance. This variant is present in population databases (rs367925854, gnomAD 0.0009%). This sequence change replaces proline, which is neutral and non-polar, with serine, which is neutral and polar, at codon 527 of the TMPRSS15 protein (p.Pro527Ser).

NM_002772.3(TMPRSS15):c.1579C>T (p.Pro527Ser)

Gene: TMPRSS15 (transmembrane serine protease 15; minus strand). Cytogenetic location: 21q21.1.
Variant type: single nucleotide variant.
Coding change: c.1579C>T on transcript NM_002772.3 (MANE Select); coding-DNA position 1579, C replaced by T.
Protein change: p.Pro527Ser; replaces proline 527 with serine.
Molecular consequence: missense variant.
Genome position (GRCh38, 1-based): chr21:18,332,159, G>A on the plus strand (C>T on the coding strand, the complement: TMPRSS15 is on the minus strand). VCF-style: chr21-18332159-G-A. GRCh37 (hg19) VCF-style: chr21-19704476-G-A.
Other names: short protein forms P527S.
Identifiers: ClinVar variation 2093926 (VCV002093926.4), dbSNP rs367925854, ClinGen allele CA9984372.